The following is an entry in ClinVar:

ClinVar aggregate classification (germline): Uncertain significance. Review status: criteria provided, multiple submitters, no conflicts (2 of 4 stars). 2 submissions from 2 submitters: Uncertain significance (2). Last evaluated 2022-07-11.

Conditions:
Hereditary cancer-predisposing syndrome. Also called: Neoplastic Syndromes, Hereditary; Tumor predisposition; Hereditary Cancer Syndrome; Hereditary neoplastic syndrome. Identifiers: Orphanet 140162, MedGen C0027672, MeSH D009386, MONDO:0015356.

Submissions (2):

Ambry Genetics
Classification: Uncertain significance for Hereditary cancer-predisposing syndrome. Last evaluated: 2022-07-11. Review status: criteria provided, single submitter. Criteria: Ambry Variant Classification Scheme 2023. Collection method: clinical testing. Allele origin: germline.
Comment: The p.L1096W variant (also known as c.3287T>G), located in coding exon 22 of the ATM gene, results from a T to G substitution at nucleotide position 3287. The leucine at codon 1096 is replaced by tryptophan, an amino acid with similar properties. This amino acid position is conserved. In addition, this alteration is predicted to be deleterious by in silico analysis. Since supporting evidence is limited at this time, the clinical significance of this alteration remains unclear.

Color Diagnostics, LLC DBA Color Health
Classification: Uncertain significance for Hereditary cancer-predisposing syndrome. Last evaluated: 2022-02-14. Review status: criteria provided, single submitter. Criteria: ACMG Guidelines, 2015. Collection method: clinical testing. Allele origin: germline.
Comment: This missense variant replaces leucine with tryptophan at codon 1096 of the ATM protein. Computational prediction suggests that this variant may have deleterious impact on protein structure and function (internally defined REVEL score threshold >= 0.7, PMID: 27666373). To our knowledge, functional studies have not been reported for this variant. This variant has not been reported in individuals affected with hereditary cancer in the literature. This variant has not been identified in the general population by the Genome Aggregation Database (gnomAD). The available evidence is insufficient to determine the role of this variant in disease conclusively. Therefore, this variant is classified as a Variant of Uncertain Significance.

NM_000051.4(ATM):c.3287T>G (p.Leu1096Trp)

Gene: ATM (ATM serine/threonine kinase; plus strand). Cytogenetic location: 11q22.3.
Variant type: single nucleotide variant.
Coding change: c.3287T>G on transcript NM_000051.4 (MANE Select); coding-DNA position 3287, T replaced by G.
Protein change: p.Leu1096Trp; replaces leucine 1096 with tryptophan.
Molecular consequence: missense variant.
Genome position (GRCh38, 1-based): chr11:108,279,493, T>G. VCF-style: chr11-108279493-T-G. GRCh37 (hg19) VCF-style: chr11-108150220-T-G.
Other names: c.3287T>G, p.Leu1096Trp (NM_001351834.2); short protein forms L1096W.
Identifiers: ClinVar variation 1729798 (VCV001729798.4), dbSNP rs2082114508, ClinGen allele CA382517252.